The following is an entry in ClinVar:

ClinVar aggregate classification (germline): Uncertain significance. Review status: criteria provided, multiple submitters, no conflicts (2 of 4 stars). 2 submissions from 2 submitters: Uncertain significance (2). Last evaluated 2022-08-01.

Conditions:
Duchenne muscular dystrophy (DMD). Also called: MUSCULAR DYSTROPHY, PSEUDOHYPERTROPHIC PROGRESSIVE, DUCHENNE TYPE; Duchenne Muscular Dystrophy (DMD). Identifiers: Orphanet 98896, MedGen C0013264, MONDO:0010679, OMIM 310200.
Cardiovascular phenotype. Identifiers: MedGen CN230736.

Submissions (2):

Ambry Genetics
Classification: Uncertain significance for Cardiovascular phenotype. Last evaluated: 2022-08-01. Review status: criteria provided, single submitter. Criteria: Ambry Variant Classification Scheme 2023. Collection method: clinical testing. Allele origin: germline.
Comment: The c.3921+5G>C intronic alteration results from a G to C substitution 5 nucleotides after coding exon 28 of the DMD gene. This variant was not reported in population-based cohorts in the Genome Aggregation Database (gnomAD). This nucleotide position is highly conserved in available vertebrate species. In silico splice site analysis predicts that this alteration will weaken the native splice donor site. Based on insufficient or conflicting evidence, the clinical significance of this alteration remains unclear.

Labcorp Genetics (formerly Invitae), Labcorp
Classification: Uncertain significance for Duchenne muscular dystrophy. Last evaluated: 2022-07-12. Review status: criteria provided, single submitter. Criteria: Invitae Variant Classification Sherloc (09022015). Collection method: clinical testing. Allele origin: germline.
Comment: Variants that disrupt the consensus splice site are a relatively common cause of aberrant splicing (PMID: 17576681, 9536098). Algorithms developed to predict the effect of sequence changes on RNA splicing suggest that this variant may disrupt the consensus splice site. This sequence change falls in intron 28 of the DMD gene. It does not directly change the encoded amino acid sequence of the DMD protein. It affects a nucleotide within the consensus splice site. This variant is not present in population databases (gnomAD no frequency). This variant has not been reported in the literature in individuals affected with DMD-related conditions. ClinVar contains an entry for this variant (Variation ID: 1370766). In summary, the available evidence is currently insufficient to determine the role of this variant in disease. Therefore, it has been classified as a Variant of Uncertain Significance.

Literature cited by the submitters: PubMed 17576681 (cited by Labcorp Genetics (formerly Invitae), Labcorp); PubMed 9536098 (cited by Labcorp Genetics (formerly Invitae), Labcorp).

NM_004006.3(DMD):c.3921+5G>C

Gene: DMD (dystrophin; minus strand). Cytogenetic location: Xp21.1.
Variant type: single nucleotide variant.
Coding change: c.3921+5G>C on transcript NM_004006.3 (MANE Select); 5 bases into the intron after coding-DNA position 3921, G replaced by C.
Molecular consequence: intron variant.
Genome position (GRCh38, 1-based): chrX:32,441,175, C>G on the plus strand (G>C on the coding strand, the complement: DMD is on the minus strand). VCF-style: chrX-32441175-C-G. GRCh37 (hg19) VCF-style: chrX-32459292-C-G.
Other names: c.3897+5G>C (NM_000109.4); c.3909+5G>C (NM_004009.3); c.3552+5G>C (NM_004010.3); c.3921+5G>C (NM_004006.2).
Identifiers: ClinVar variation 1370766 (VCV001370766.7), dbSNP rs2098280253, ClinGen allele CA2573158813.